The following is an entry in ClinVar:

ClinVar aggregate classification (germline): Uncertain significance. Review status: criteria provided, multiple submitters, no conflicts (2 of 4 stars). 3 submissions from 3 submitters: Uncertain significance (3). Last evaluated 2022-01-03.

Conditions:
Intellectual developmental disorder, autosomal recessive 3. Also called: Intellectual disability, autosomal recessive 3. Identifiers: Orphanet 88616, MedGen C1838023, MONDO:0012037, OMIM 608443.
Inborn genetic diseases. Identifiers: MedGen C0950123, MeSH D030342.

Allele frequency attached by ClinVar (database versions not stated): TOPMed 0.00009; gnomAD exomes 0.00001; gnomAD 0.00007; ExAC 0.00001.
gnomAD v4.1: 23 of 1,613,970 alleles (0.0014%); highest among the groups gnomAD compares: Admixed American, 0.022%; no homozygotes.

Submissions (3):

Fulgent Genetics
Classification: Uncertain significance for Intellectual developmental disorder, autosomal recessive 3. Last evaluated: 2022-01-03. Review status: criteria provided, single submitter. Criteria: ACMG Guidelines, 2015. Collection method: clinical testing. Allele origin: unknown.

Ambry Genetics
Classification: Uncertain significance for Inborn genetic diseases. Last evaluated: 2018-12-13. Review status: criteria provided, single submitter. Criteria: Ambry Variant Classification Scheme 2023. Collection method: clinical testing. Allele origin: germline.
Comment: The p.D656N variant (also known as c.1966G>A), located in coding exon 18 of the CC2D1A gene, results from a G to A substitution at nucleotide position 1966. The aspartic acid at codon 656 is replaced by asparagine, an amino acid with highly similar properties. This amino acid position is well conserved in available vertebrate species. In addition, this alteration is predicted to be tolerated by in silico analysis. Since supporting evidence is limited at this time, the clinical significance of this alteration remains unclear.

Breakthrough Genomics
Classification: Uncertain significance. Review status: criteria provided, single submitter. Criteria: ACMG Guidelines, 2015. Collection method: not provided. Allele origin: germline. Inheritance: Autosomal dominant inheritance. Affected: yes.

NM_017721.5(CC2D1A):c.1966G>A (p.Asp656Asn)

Gene: CC2D1A (coiled-coil and C2 domain containing 1A; plus strand). Cytogenetic location: 19p13.12.
Variant type: single nucleotide variant.
Coding change: c.1966G>A on transcript NM_017721.5 (MANE Select); coding-DNA position 1966, G replaced by A.
Protein change: p.Asp656Asn; replaces aspartic acid 656 with asparagine.
Molecular consequence: missense variant.
Genome position (GRCh38, 1-based): chr19:13,926,542, G>A. VCF-style: chr19-13926542-G-A. GRCh37 (hg19) VCF-style: chr19-14037355-G-A.
Other names: short protein forms D656N.
Identifiers: ClinVar variation 985296 (VCV000985296.5), dbSNP rs775641463, ClinGen allele CA9244881.